The following is an entry in ClinVar:

NM_000553.6(WRN):c.139T>G (p.Leu47Val)

Gene: WRN (WRN RecQ like helicase; plus strand). Cytogenetic location: 8p12.
Variant type: single nucleotide variant.
Coding change: c.139T>G on transcript NM_000553.6 (MANE Select); coding-DNA position 139, T replaced by G.
Protein change: p.Leu47Val; replaces leucine 47 with valine.
Molecular consequence: missense variant.
Genome position (GRCh38, 1-based): chr8:31,059,195, T>G. VCF-style: chr8-31059195-T-G. GRCh37 (hg19) VCF-style: chr8-30916711-T-G.
Other names: short protein forms L47V.
Identifiers: ClinVar variation 1043159 (VCV001043159.3), dbSNP rs1812389244, ClinGen allele CA370912468.

ClinVar aggregate classification (germline): Uncertain significance (1 of 4 stars; one submission).

Conditions:
Werner syndrome (WRN). Identifiers: Orphanet 902, MedGen C0043119, MONDO:0010196, OMIM 277700.

Allele frequency attached by ClinVar (database versions not stated): gnomAD exomes below 0.00001.
gnomAD v4.1: 1 of 1,613,924 alleles (0.000062%); highest among the groups gnomAD compares: Non-Finnish European, 0.000085%; no homozygotes.

Submission:

Labcorp Genetics (formerly Invitae), Labcorp
Classification: Uncertain significance for Werner syndrome. Last evaluated: 2020-10-03. Review status: criteria provided, single submitter. Criteria: Invitae Variant Classification Sherloc (09022015). Collection method: clinical testing. Allele origin: germline.
Comment: In summary, the available evidence is currently insufficient to determine the role of this variant in disease. Therefore, it has been classified as a Variant of Uncertain Significance. Algorithms developed to predict the effect of missense changes on protein structure and function are either unavailable or do not agree on the potential impact of this missense change (SIFT: "Not Available"; PolyPhen-2: "Probably Damaging"; Align-GVGD: "Not Available"). This variant has not been reported in the literature in individuals with WRN-related conditions. This variant is not present in population databases (ExAC no frequency). This sequence change replaces leucine with valine at codon 47 of the WRN protein (p.Leu47Val). The leucine residue is highly conserved and there is a small physicochemical difference between leucine and valine.